The following is an entry in ClinVar:

ClinVar aggregate classification (germline): Likely pathogenic (1 of 4 stars; one submission).

Conditions:
Dilated cardiomyopathy 1HH (CMD1HH). Identifiers: Orphanet 154, MedGen C3151293, MONDO:0013479, OMIM 613881.

gnomAD v4.1: 1 of 1,614,162 alleles (0.000062%); highest among the groups gnomAD compares: Non-Finnish European, 0.000085%; no homozygotes.

Submission:

Clinical Genetics Laboratory, Region Ostergotland
Classification: Likely pathogenic for Dilated cardiomyopathy 1HH. Last evaluated: 2024-08-06. Review status: criteria provided, single submitter. Criteria: ACMG Guidelines, 2015. Collection method: clinical testing. Allele origin: germline. Affected: yes.
Comment: The following ACMG/AMP criteria were applied in classifying this variant: PVS1_strong, PM2

NM_004281.4(BAG3):c.1119T>A (p.Cys373Ter)

Gene: BAG3 (BAG cochaperone 3; plus strand). Cytogenetic location: 10q26.11.
Variant type: single nucleotide variant.
Coding change: c.1119T>A on transcript NM_004281.4 (MANE Select); coding-DNA position 1119, T replaced by A.
Protein change: p.Cys373Ter; replaces cysteine 373 with a stop codon.
Molecular consequence: nonsense.
Genome position (GRCh38, 1-based): chr10:119,676,673, T>A. VCF-style: chr10-119676673-T-A. GRCh37 (hg19) VCF-style: chr10-121436185-T-A.
Other names: short protein forms C373*.
Identifiers: ClinVar variation 3359212 (VCV003359212.3).